The following is an entry in ClinVar:

ClinVar aggregate classification (germline): Pathogenic. Review status: criteria provided, multiple submitters, no conflicts (2 of 4 stars). 13 submissions from 13 submitters: Pathogenic (12). 1 of the submissions does not count toward it. Last evaluated 2026-01-28.

Conditions:
Inborn genetic diseases. Identifiers: MedGen C0950123, MeSH D030342.
Long chain 3-hydroxyacyl-CoA dehydrogenase deficiency. Also called: LCHAD Deficiency; Deficiency of long-chain 3-hydroxyacyl-coenzyme A dehydrogenase. Identifiers: Orphanet 5, MedGen C3711645, MONDO:0012173, OMIM 609016.
Deficiency of hydroxymethylglutaryl-CoA lyase (HMGCLD). Also called: Defect in leucine metabolism; 3-hydroxy-3-methylglutaric aciduria; HMGCL DEFICIENCY; HYDROXYMETHYLGLUTARIC ACIDURIA; HMG-CoA LYASE DEFICIENCY. Identifiers: Orphanet 20, MedGen C1533587, MONDO:0009520, OMIM 246450.

Allele frequency attached by ClinVar (database versions not stated): gnomAD exomes 0.00005; gnomAD 0.00007 and 0.00006; ExAC 0.00002; TOPMed 0.00013.
gnomAD v4.1: 45 of 1,614,004 alleles (0.0028%); highest among the groups gnomAD compares: Admixed American, 0.035%; no homozygotes.

Submissions (13):

Labcorp Genetics (formerly Invitae), Labcorp
Classification: Pathogenic for Deficiency of hydroxymethylglutaryl-CoA lyase. Last evaluated: 2026-01-28. Review status: criteria provided, single submitter. Criteria: Invitae Variant Classification Sherloc (09022015). Collection method: clinical testing. Allele origin: germline.
Comment: This sequence change creates a premature translational stop signal (p.Glu37*) in the HMGCL gene. While this is not anticipated to result in nonsense mediated decay, it is expected to disrupt the last 289 amino acid(s) of the HMGCL protein. This variant is present in population databases (rs763494292, gnomAD 0.02%). This premature translational stop signal has been observed in individual(s) with HMG-CoA lyase deficiency (PMID: 15308132, 19177531, 23465862, 28583327). In at least one individual the data is consistent with being in trans (on the opposite chromosome) from a pathogenic variant. ClinVar contains an entry for this variant (Variation ID: 195033). For these reasons, this variant has been classified as Pathogenic.

Natera, Inc.
Classification: Pathogenic for Deficiency of long-chain 3-hydroxyacyl-coenzyme A dehydrogenase. Last evaluated: 2025-08-29. Review status: criteria provided, single submitter. Criteria: Natera Variant Classification Schema (03/2026). Collection method: clinical testing. Allele origin: germline.
Comment: The c.109G>T variant in HMGCL is a nonsense variant predicted to introduce a stop codon at amino acid 37. This variant is expected to result in nonsense mediated decay, truncation, or a dysfunctional protein product. This variant is rare in the general population with a frequency below the threshold expected for the associated phenotype(s). This variant has been observed in one or more individuals affected with the associated recessive disease, as either homozygous or compound heterozygous with a second variant (PMID: 28257639, 18080783). Given the available evidence, this variant is classified as Pathogenic.

Dasa
Classification: Pathogenic. Last evaluated: 2025-05-16. Review status: criteria provided, single submitter. Criteria: DASA Assertion Criteria. Collection method: clinical testing. Allele origin: germline.
Comment: NM_000191.3(HMGCL):c.109G>T (p.Glu37*) introduces a premature termination codon predicted to result in loss of normal protein function. Loss-of-function is an established mechanism of disease for this gene. This variant has been observed in affected individuals with related phenotype in a genotype context consistent with recessive disease (PMID: 15308132; PMID: 19177531; PMID: 23465862; PMID: 28583327). This variant has been recurrently observed in individuals with related phenotype (PMID: 15308132; PMID: 19177531; PMID: 23465862; PMID: 28583327). The variant is present at low frequency in population datasets. Based on the available data, this variant is classified as pathogenic.

Fulgent Genetics
Classification: Pathogenic for Deficiency of hydroxymethylglutaryl-CoA lyase. Last evaluated: 2024-05-10. Review status: criteria provided, single submitter. Criteria: ACMG Guidelines, 2015. Collection method: clinical testing. Allele origin: germline.

GeneDx
Classification: Pathogenic. Last evaluated: 2023-06-01. Review status: criteria provided, single submitter. Criteria: GeneDx Variant Classification Process June 2021. Collection method: clinical testing. Allele origin: germline. Affected: yes.
Comment: Nonsense variant predicted to result in protein truncation or nonsense mediated decay in a gene for which loss of function is a known mechanism of disease; This variant is associated with the following publications: (PMID: 19177531, 15752612, 18080783, 25525159, 9439591, 15308132, 17692550, 28583327, 28257639, 31589614, 28396157, 9163320, 23465862)

Genome-Nilou Lab
Classification: Pathogenic for Deficiency of hydroxymethylglutaryl-CoA lyase. Last evaluated: 2023-04-11. Review status: criteria provided, single submitter. Criteria: ACMG Guidelines, 2015. Collection method: clinical testing. Allele origin: germline. Affected: no.

Laboratorio de Genetica e Diagnostico Molecular, Hospital Israelita Albert Einstein
Classification: Pathogenic for Deficiency of hydroxymethylglutaryl-CoA lyase. Last evaluated: 2023-01-06. Review status: criteria provided, single submitter. Criteria: ACMG Guidelines, 2015. Collection method: clinical testing. Allele origin: germline. Affected: yes. Observed: 1 variant allele.
Comment: ACMG classification criteria: PVS1 very strong, PM2 supporting, PM3 strong, PP4

Ambry Genetics
Classification: Pathogenic for Inborn genetic diseases. Last evaluated: 2021-06-18. Review status: criteria provided, single submitter. Criteria: Ambry Variant Classification Scheme 2023. Collection method: clinical testing. Allele origin: germline.
Comment: The c.109G>T (p.E37*) alteration, located in exon 2 (coding exon 2) of the HMGCL gene, consists of a G to T substitution at nucleotide position 109. This changes the amino acid from a glutamic acid (E) to a stop codon at amino acid position 37. This alteration is expected to result in loss of function by premature protein truncation or nonsense-mediated mRNA decay. This mutation has been report in several homozygous and compound heterozygous individuals with HMG-CoA lyase deficiency (Pi&eacute;, 1997; Cardoso, 2004; Menao, 2009; Mu&ntilde;oz-Bonet, 2017). Analysis of patient fibroblasts demonstrated that this mutation resulted in exon 2 skipping (Puisac, 2013). Based on the available evidence, this alteration is classified as pathogenic.

Illumina Laboratory Services, Illumina
Classification: Pathogenic for Deficiency of hydroxymethylglutaryl-CoA lyase. Last evaluated: 2018-08-09. Review status: criteria provided, single submitter. Criteria: ICSL Variant Classification Criteria 09 May 2019. Collection method: clinical testing. Allele origin: germline.
Comment: The HMGCL c.109G>T (p.Glu37Ter) variant is a stop-gained variant that is predicted to cause premature truncation of the protein. In a selection of the available literature, the p.Glu37Ter variant was found in at least 11 unrelated individuals affected with 3-hydroxy-3-methylglutaryl-Coenzyme A lyase deficiency, including in eight individuals in a homozygous state, in two in a compound heterozygous state and in one in a heterozygous state in whom the second variant was not found (PiÃ© et al. 1997; Cardoso et al. 2004). The variant was shown to be absent from one control individual but is reported at a frequency of 0.000208 in the Latino population of the Genome Aggregation Database. In patiet fibroblasts, 3-hydroxy-3-methylglutaryl-Coenzyme A lyase activity was shown to be less than 3% of activity compared to the levels seen in healthy subjects (PiÃ© et al. 1997; Cardoso et al. 2004). RT-PCR analysis in patient fibroblasts showed that the variant resulted in skipping of exon 2 (PiÃ© et al. 1997). Based on the collective evidence and the potential impact of stop-gained variants, the p.Glu37Ter variant is classified as pathogenic for 3-hydroxy-3-methylglutaryl-Coenzyme A lyase deficiency. This variant was observed by ICSL as part of a predisposition screen in an ostensibly healthy population.

Women's Health and Genetics/Laboratory Corporation of America, LabCorp
Classification: Pathogenic for Deficiency of hydroxymethylglutaryl-CoA lyase. Last evaluated: 2018-06-11. Review status: criteria provided, single submitter. Criteria: LabCorp Variant Classification Summary - May 2015. Collection method: clinical testing. Allele origin: germline.
Comment: Variant summary: HMGCL c.109G>T (p.Glu37X) results in a premature termination codon, predicted to cause a truncation of the encoded protein or absence of the protein due to nonsense mediated decay, which are commonly known mechanisms for disease. The variant allele was found at a frequency of 4.9e-05 in 246260 control chromosomes, which does not exceed the maximal expected allele frequency for a pathogenic variant in HMGCL. c.109G>T has been reported in the literature in multiple individuals affected with HMG-CoA Lyase Deficiency as both a homozygous and compound heterozygous allele. These data indicate that the variant is very likely to be associated with disease. In a report by Casale_1998, four patients homozygous for the variant had HMG-CoA lyase activity levels less than 10% of controls, indicating a severe reduction in enzyme activity caused by the variant. One clinical diagnostic laboratory has submitted clinical-significance assessments for this variant to ClinVar after 2014 and classified the variant as pathogenic. Based on the evidence outlined above, the variant was classified as pathogenic.

Eurofins Ntd Llc (ga)
Classification: Pathogenic. Last evaluated: 2014-12-04. Review status: criteria provided, single submitter. Criteria: EGL Classification Definitions 2015. Collection method: clinical testing. Allele origin: germline. Observed: 3 variant alleles, 2 heterozygotes, 1 homozygote.

Clinical Genetics Service, Universitary Hospital 12 de Octubre
Classification: Pathogenic for Deficiency of hydroxymethylglutaryl-CoA lyase. Review status: criteria provided, single submitter. Criteria: ACMG Guidelines, 2015. Collection method: clinical testing. Allele origin: germline. Affected: yes.

Counsyl
Classification: Pathogenic for Deficiency of hydroxymethylglutaryl-CoA lyase. Last evaluated: 2017-03-28. Review status: no assertion criteria provided. Collection method: clinical testing. Allele origin: unknown. Not counted in ClinVar's aggregate classification.

Literature cited by the submitters: PubMed 15308132 (cited by 6 submitters); PubMed 19177531 (cited by 3 submitters); PubMed 23465862 (cited by 4 submitters); PubMed 28583327 (cited by Labcorp Genetics (formerly Invitae), Labcorp and Dasa); PubMed 28257639 (cited by Natera, Inc. and Ambry Genetics); PubMed 18080783 (cited by Natera, Inc.); PubMed 9163320 (cited by 4 submitters); PubMed 17692550 (cited by Ambry Genetics); PubMed 9439591 (cited by Women's Health and Genetics/Laboratory Corporation of America, LabCorp).

NM_000191.3(HMGCL):c.109G>T (p.Glu37Ter)

Gene: HMGCL (3-hydroxy-3-methylglutaryl-CoA lyase; minus strand). Cytogenetic location: 1p36.11.
Variant type: single nucleotide variant.
Coding change: c.109G>T on transcript NM_000191.3 (MANE Select); coding-DNA position 109, G replaced by T.
Protein change: p.Glu37Ter; replaces glutamic acid 37 with a stop codon.
Molecular consequence: nonsense.
Genome position (GRCh38, 1-based): chr1:23,820,545, C>A on the plus strand (G>T on the coding strand, the complement: HMGCL is on the minus strand). VCF-style: chr1-23820545-C-A. GRCh37 (hg19) VCF-style: chr1-24147035-C-A.
Other names: c.109G>T, p.Glu37Ter (NM_001166059.2); short protein forms E37*.
Identifiers: ClinVar variation 195033 (VCV000195033.34), dbSNP rs763494292, ClinGen allele CA275061.